The following is an entry in ClinVar:

NM_001244008.2(KIF1A):c.3979G>A (p.Gly1327Arg)

Gene: KIF1A (kinesin family member 1A; minus strand). Cytogenetic location: 2q37.3.
Variant type: single nucleotide variant.
Coding change: c.3979G>A on transcript NM_001244008.2 (MANE Select); coding-DNA position 3979, G replaced by A.
Protein change: p.Gly1327Arg; replaces glycine 1327 with arginine.
Molecular consequence: missense variant.
Genome position (GRCh38, 1-based): chr2:240,737,091, C>T on the plus strand (G>A on the coding strand, the complement: KIF1A is on the minus strand). VCF-style: chr2-240737091-C-T. GRCh37 (hg19) VCF-style: chr2-241676508-C-T.
Other names: c.3703G>A, p.Gly1235Arg (NM_001320705.2, NM_001330289.2, NM_001379638.1); c.3778G>A, p.Gly1260Arg (NM_001330290.2, NM_001379634.1, NM_001379635.1 and 1 more transcripts); c.4054G>A, p.Gly1352Arg (NM_001379631.1); c.3928G>A, p.Gly1310Arg (NM_001379632.1); c.3952G>A, p.Gly1318Arg (NM_001379633.1, NM_001379642.1, NM_001379645.1); c.3790G>A, p.Gly1264Arg (NM_001379636.1); c.3751G>A, p.Gly1251Arg (NM_001379637.1, NM_001379648.1); c.3676G>A, p.Gly1226Arg (NM_001379639.1, NM_001379641.1, NM_001379649.1 and 4 more transcripts); and 1 more; short protein forms G1226R, G1327R, G1260R, G1235R, G1225R, G1251R, G1264R, G1310R.
Identifiers: ClinVar variation 245695 (VCV000245695.11), dbSNP rs879253904, ClinGen allele CA10584189.

ClinVar aggregate classification (germline): Conflicting classifications of pathogenicity. Review status: criteria provided, conflicting classifications (1 of 4 stars). 5 submissions from 5 submitters: Uncertain significance (4); Likely benign (1). Last evaluated 2025-06-27.

Conditions:
Neuropathy, hereditary sensory, type 2C. Also called: Hereditary sensory and autonomic neuropathy type IIC; KIF1A-Related HSAN2 (HSAN2C). Identifiers: Orphanet 970, MedGen C3280168, MONDO:0013634, OMIM 614213.
Intellectual disability, autosomal dominant 9 (NESCAVS). Also called: KIF1A-Related Neurodevelopmental Disorder; NESCAV SYNDROME. Identifiers: Orphanet 662367, MedGen C5393830, MONDO:0013656, OMIM 614255.
Spastic paraplegia 30B, autosomal recessive. Identifiers: MedGen C5935571, MONDO:0971149, OMIM 620607.
Spastic paraplegia 30A, autosomal dominant. Identifiers: MedGen CN380650, MONDO:0700307, OMIM 610357.
Inborn genetic diseases. Identifiers: MedGen C0950123, MeSH D030342.
Hereditary spastic paraplegia 30. Identifiers: Orphanet 101010, MedGen C5235139, MONDO:0012476.

Allele frequency attached by ClinVar (database versions not stated): gnomAD exomes below 0.00001 and 0.00001; TOPMed 0.00001; gnomAD 0.00002.
gnomAD v4.1: 15 of 1,613,430 alleles (0.00093%); highest among the groups gnomAD compares: Admixed American, 0.005%; no homozygotes.

Submissions (5):

Genetics and Molecular Pathology, SA Pathology
Classification: Uncertain significance for Spastic paraplegia 30A, autosomal dominant; Neuropathy, hereditary sensory, type 2C; Intellectual disability, autosomal dominant 9; Spastic paraplegia 30B, autosomal recessive. Last evaluated: 2025-06-27. Review status: criteria provided, single submitter. Criteria: ACMG Guidelines, 2015. Collection method: clinical testing. Allele origin: germline. Affected: yes.

Labcorp Genetics (formerly Invitae), Labcorp
Classification: Likely benign for Hereditary spastic paraplegia 30; Neuropathy, hereditary sensory, type 2C; Intellectual disability, autosomal dominant 9. Last evaluated: 2025-05-05. Review status: criteria provided, single submitter. Criteria: Invitae Variant Classification Sherloc (09022015). Collection method: clinical testing. Allele origin: germline.

GeneDx
Classification: Uncertain significance. Last evaluated: 2022-09-23. Review status: criteria provided, single submitter. Criteria: GeneDx Variant Classification Process June 2021. Collection method: clinical testing. Allele origin: germline. Affected: yes.
Comment: In silico analysis supports that this missense variant does not alter protein structure/function; Has not been previously published as pathogenic or benign to our knowledge; In silico analysis suggests this variant may impact gene splicing. In the absence of RNA/functional studies, the actual effect of this sequence change is unknown.

Ambry Genetics
Classification: Uncertain significance for Inborn genetic diseases. Last evaluated: 2021-04-11. Review status: criteria provided, single submitter. Criteria: Ambry Variant Classification Scheme 2023. Collection method: clinical testing. Allele origin: germline.
Comment: The p.G1327R variant (also known as c.3979G>A), located in coding exon 37 of the KIF1A gene, results from a G to A substitution at nucleotide position 3979. The glycine at codon 1327 is replaced by arginine, an amino acid with dissimilar properties. This amino acid position is well conserved in available vertebrate species. In addition, the in silico prediction for this alteration is inconclusive. Since supporting evidence is limited at this time, the clinical significance of this alteration remains unclear.

Baylor Genetics
Classification: Uncertain significance for Intellectual disability, autosomal dominant 9. Last evaluated: 2018-05-04. Review status: criteria provided, single submitter. Criteria: ACMG Guidelines, 2015. Collection method: clinical testing. Allele origin: maternal. Affected: yes.
Comment: This variant was determined to be of uncertain significance according to ACMG Guidelines, 2015 [PMID:25741868].